The following is an entry in ClinVar:

ClinVar aggregate classification (germline): Uncertain significance (1 of 4 stars; one submission).

Conditions:
Cardiovascular phenotype. Identifiers: MedGen CN230736.
Hereditary cancer-predisposing syndrome. Also called: Neoplastic Syndromes, Hereditary; Tumor predisposition; Hereditary Cancer Syndrome; Hereditary neoplastic syndrome. Identifiers: Orphanet 140162, MedGen C0027672, MeSH D009386, MONDO:0015356.

Submission:

Ambry Genetics
Classification: Uncertain significance for Cardiovascular phenotype; Hereditary cancer-predisposing syndrome. Last evaluated: 2025-09-20. Review status: criteria provided, single submitter. Criteria: Ambry Variant Classification Scheme 2023. Collection method: clinical testing. Allele origin: germline.
Comment: The p.V728A variant (also known as c.2183T>C), located in coding exon 18 of the NF1 gene, results from a T to C substitution at nucleotide position 2183. The valine at codon 728 is replaced by alanine, an amino acid with similar properties. This amino acid position is conserved. In addition, the in silico prediction for this alteration is inconclusive. Based on the available evidence, the clinical significance of this variant remains unclear.

NM_001042492.3(NF1):c.2183T>C (p.Val728Ala)

Gene: NF1 (neurofibromin 1; plus strand). Cytogenetic location: 17q11.2.
Variant type: single nucleotide variant.
Coding change: c.2183T>C on transcript NM_001042492.3 (MANE Select); coding-DNA position 2183, T replaced by C.
Protein change: p.Val728Ala; replaces valine 728 with alanine.
Molecular consequence: missense variant.
Genome position (GRCh38, 1-based): chr17:31,226,616, T>C. VCF-style: chr17-31226616-T-C. GRCh37 (hg19) VCF-style: chr17-29553634-T-C.
Other names: c.2183T>C, p.Val728Ala (NM_000267.4); short protein forms V728A.
Identifiers: ClinVar variation 4615719 (VCV004615719.1).